The following is an entry in ClinVar:

ClinVar aggregate classification (germline): Benign. Review status: criteria provided, multiple submitters, no conflicts (2 of 4 stars). 3 submissions from 2 submitters: Benign (3). Last evaluated 2018-01-13.

Conditions:
Warburg micro syndrome 2 (WARBM2). Also called: MICRO SYNDROME 2. Identifiers: Orphanet 2510, MedGen C3280214, MONDO:0013641, OMIM 614225.
Martsolf syndrome (MARTS). Also called: Congenital cataract with intellectual disability and hypogonadotropic hypogonadism syndrome. Identifiers: Orphanet 1387, MedGen C0796037, MONDO:0023910.

Allele frequency attached by ClinVar (database versions not stated): 1000 Genomes Project 30x 0.06106; 1000 Genomes Project 0.06270; TOPMed 0.06531; gnomAD 0.06883 and 0.07138; gnomAD exomes 0.08757.
gnomAD v4.1: 13,652 of 183,416 alleles (7.4%); highest among the groups gnomAD compares: South Asian, 14%; 681 homozygotes.

Submissions (3):

Illumina Laboratory Services, Illumina
Classification: Benign for Warburg micro syndrome 2. Last evaluated: 2018-01-13. Review status: criteria provided, single submitter. Criteria: ICSL Variant Classification Criteria 13 December 2019. Collection method: clinical testing. Allele origin: germline.
Comment: This variant was observed in the ICSL laboratory as part of a predisposition screen in an ostensibly healthy population. It had not been previously curated by ICSL or reported in the Human Gene Mutation Database (HGMD: prior to June 1st, 2018), and was therefore a candidate for classification through an automated scoring system. Utilizing variant allele frequency, disease prevalence and penetrance estimates, and inheritance mode, an automated score was calculated to assess if this variant is too frequent to cause the disease. Based on the score and internal cut-off values, a variant classified as benign is not then subjected to further curation. The score for this variant resulted in a classification of benign for this disease.

Illumina Laboratory Services, Illumina
Classification: Benign for Martsolf syndrome 1. Last evaluated: 2018-01-13. Review status: criteria provided, single submitter. Criteria: ICSL Variant Classification Criteria 13 December 2019. Collection method: clinical testing. Allele origin: germline.
Comment: the same text as in the submission from Illumina Laboratory Services, Illumina above.

Breakthrough Genomics
Classification: Benign. Review status: criteria provided, single submitter. Criteria: ACMG Guidelines, 2015. Collection method: not provided. Allele origin: germline. Inheritance: Autosomal recessive inheritance. Affected: yes.

NM_012414.4(RAB3GAP2):c.*404T>C

Gene: RAB3GAP2 (RAB3 GTPase activating non-catalytic protein subunit 2; minus strand). Cytogenetic location: 1q41.
Variant type: single nucleotide variant.
Coding change: c.*404T>C on transcript NM_012414.4 (MANE Select); 404 bases downstream of the stop codon, T replaced by C.
Molecular consequence: 3 prime UTR variant.
Genome position (GRCh38, 1-based): chr1:220,150,847, A>G on the plus strand (T>C on the coding strand, the complement: RAB3GAP2 is on the minus strand). VCF-style: chr1-220150847-A-G. GRCh37 (hg19) VCF-style: chr1-220324189-A-G.
Identifiers: ClinVar variation 295635 (VCV000295635.6), dbSNP rs1059140, ClinGen allele CA10610115.
Genomic context (GRCh38, chr1:220,150,847, plus strand): 5'-CATGACAACAAAGGCATTTTCTCAACATTTACTAAAGGAGAGTGGGGTGTTCTATACGCT[A>G]CTGATGGGGACTGTACATGAACACATTTAAATTGAATTACAACAACATTTTAGATAGGAA-3'